The following is an entry in ClinVar:

NM_004667.6(HERC2):c.9537T>C (p.Asp3179=)

Gene: HERC2 (HECT and RLD domain containing E3 ubiquitin protein ligase 2; minus strand). Cytogenetic location: 15q13.1.
Variant type: single nucleotide variant.
Coding change: c.9537T>C on transcript NM_004667.6 (MANE Select); coding-DNA position 9537, T replaced by C.
Protein change: p.Asp3179=; no amino-acid change (aspartic acid 3179 retained).
Molecular consequence: synonymous variant.
Genome position (GRCh38, 1-based): chr15:28,176,577, A>G on the plus strand (T>C on the coding strand, the complement: HERC2 is on the minus strand). VCF-style: chr15-28176577-A-G. GRCh37 (hg19) VCF-style: chr15-28421723-A-G.
Identifiers: ClinVar variation 3358604 (VCV003358604.1).

ClinVar aggregate classification (germline): Likely benign (0 of 4 stars; one submission).

Conditions:
HERC2-related disorder. Also called: HERC2-related condition.

gnomAD v4.1: 25 of 1,614,064 alleles (0.0015%); highest among the groups gnomAD compares: Non-Finnish European, 0.0021%; no homozygotes.

Submission:

PreventionGenetics, part of Exact Sciences
Classification: Likely benign for HERC2-related condition. Last evaluated: 2024-08-26. Review status: no assertion criteria provided. Collection method: clinical testing. Allele origin: germline.
Comment: This variant is classified as likely benign based on ACMG/AMP sequence variant interpretation guidelines (Richards et al. 2015 PMID: 25741868, with internal and published modifications).